The following is an entry in ClinVar:

ClinVar aggregate classification (germline): Uncertain significance (1 of 4 stars; one submission).

Allele frequency attached by ClinVar (database versions not stated): gnomAD 0.00006 and 0.00003; ExAC 0.00002; gnomAD exomes 0.00003; TOPMed 0.00003.

Submission:

GeneDx
Classification: Uncertain significance. Last evaluated: 2016-04-15. Review status: criteria provided, single submitter. Criteria: GeneDx Variant Classification (06012015). Collection method: clinical testing. Allele origin: germline. Affected: yes.
Comment: The R277X variant in the PMS1 gene has been reported previously as a germline variant in association with clear cell renal cell carcinoma (Dagliesh et al., 2010). This variant is predicted to cause loss of normal protein function either through protein truncation or nonsense-mediated mRNA decay. The R277X variant was not observed in approximately 6500 individuals of European and African American ancestry in the NHLBI Exome Sequencing Project, indicating it is not a common benign variant in these populations. We interpret R277X as a variant of uncertain significance.

NM_000534.5(PMS1):c.829C>T (p.Arg277Ter)

Gene: PMS1 (PMS1 homolog 1, mismatch repair system component; plus strand). Cytogenetic location: 2q32.2.
Variant type: single nucleotide variant.
Coding change: c.829C>T on transcript NM_000534.5 (MANE Select); coding-DNA position 829, C replaced by T.
Protein change: p.Arg277Ter; replaces arginine 277 with a stop codon.
Molecular consequence: nonsense. On other transcripts: non-coding transcript variant (1).
Genome position (GRCh38, 1-based): chr2:189,853,945, C>T. VCF-style: chr2-189853945-C-T. GRCh37 (hg19) VCF-style: chr2-190718671-C-T.
Other names: c.712C>T, p.Arg238Ter (NM_001128143.2, NM_001321044.2); c.829C>T, p.Arg277Ter (NM_001128144.2, NM_001321045.2, NM_001321047.2 and 1 more transcripts); c.301C>T, p.Arg101Ter (NM_001289408.2, NM_001289409.2); c.646C>T, p.Arg216Ter (NM_001321046.2); short protein forms R277*, R216*, R238*, R101*.
Identifiers: ClinVar variation 488894 (VCV000488894.1), dbSNP rs768246348, ClinGen allele CA2026545.